The following is an entry in ClinVar:

ClinVar aggregate classification (germline): Uncertain significance (1 of 4 stars; one submission).

gnomAD v4.1: 20 of 1,614,142 alleles (0.0012%); highest among the groups gnomAD compares: South Asian, 0.0055%; no homozygotes.

Submission:

Labcorp Genetics (formerly Invitae), Labcorp
Classification: Uncertain significance. Last evaluated: 2024-08-15. Review status: criteria provided, single submitter. Criteria: Invitae Variant Classification Sherloc (09022015). Collection method: clinical testing. Allele origin: germline.
Comment: This sequence change replaces arginine, which is basic and polar, with cysteine, which is neutral and slightly polar, at codon 188 of the PDZD7 protein (p.Arg188Cys). This variant is present in population databases (rs368583838, gnomAD 0.006%). This variant has not been reported in the literature in individuals affected with PDZD7-related conditions. ClinVar contains an entry for this variant (Variation ID: 1064191). Invitae Evidence Modeling of protein sequence and biophysical properties (such as structural, functional, and spatial information, amino acid conservation, physicochemical variation, residue mobility, and thermodynamic stability) indicates that this missense variant is not expected to disrupt PDZD7 protein function with a negative predictive value of 80%. In summary, the available evidence is currently insufficient to determine the role of this variant in disease. Therefore, it has been classified as a Variant of Uncertain Significance.

NM_001195263.2(PDZD7):c.562C>T (p.Arg188Cys)

Gene: PDZD7 (PDZ domain containing 7; minus strand). Cytogenetic location: 10q24.31.
Variant type: single nucleotide variant.
Coding change: c.562C>T on transcript NM_001195263.2 (MANE Select); coding-DNA position 562, C replaced by T.
Protein change: p.Arg188Cys; replaces arginine 188 with cysteine.
Molecular consequence: missense variant.
Genome position (GRCh38, 1-based): chr10:101,022,366, G>A on the plus strand (C>T on the coding strand, the complement: PDZD7 is on the minus strand). VCF-style: chr10-101022366-G-A. GRCh37 (hg19) VCF-style: chr10-102782123-G-A.
Other names: c.562C>T, p.Arg188Cys (NM_001351044.2, NM_024895.5); short protein forms R188C.
Identifiers: ClinVar variation 1064191 (VCV001064191.8), dbSNP rs368583838, ClinGen allele CA5654331.